The following is an entry in ClinVar:

NM_004004.6(GJB2):c.592_600delinsCAGTGTTCATGACATTC (p.Val198_Gly200delinsGlnCysSerTer)

Gene: GJB2 (gap junction protein beta 2; minus strand). Cytogenetic location: 13q12.11.
Variant type: Indel.
Coding change: c.592_600delinsCAGTGTTCATGACATTC on transcript NM_004004.6 (MANE Select); coding-DNA positions 592 to 600, GTGTCTGGA replaced by CAGTGTTCATGACATTC.
Protein change: p.Val198_Gly200delinsGlnCysSerTer.
Genome position (GRCh38, 1-based): chr13:20,188,982-20,188,990, TCCAGACAC replaced by GAATGTCATGAACACTG on the plus strand (GTGTCTGGA replaced by CAGTGTTCATGACATTC on the coding strand, the reverse complement: GJB2 is on the minus strand). VCF-style: chr13-20188982-TCCAGACAC-GAATGTCATGAACACTG. GRCh37 (hg19) VCF-style: chr13-20763121-TCCAGACAC-GAATGTCATGAACACTG.
Other names: c.592_600delGTGTCTGGAinsCAGTGTTCATGACATTC (NM_004004.5).
Identifiers: ClinVar variation 44761 (VCV000044761.26), dbSNP rs111033335, ClinGen allele CA261653.

ClinVar aggregate classification (germline): Pathogenic/Likely pathogenic. Review status: criteria provided, multiple submitters, no conflicts (2 of 4 stars). 9 submissions from 9 submitters: Pathogenic (6); Likely pathogenic (2). 1 of the submissions does not count toward it. Last evaluated 2025-09-29.

Conditions:
GJB2-related disorder. Also called: GJB2-related condition; GJB2-related disorders. Identifiers: MedGen CN382183, MONDO:1060236.
Hearing loss. Identifiers: MedGen C3887873.
Rare genetic deafness. Identifiers: Orphanet 96210, MedGen C5680250.
Autosomal recessive nonsyndromic hearing loss 1A (DFNB1A). Also called: GJB6-Related DFNB 1 Nonsyndromic Hearing Loss and Deafness; Deafness, autosomal recessive 1A; Connexin 26 deafness; Deafness nonsyndromic, Connexin 26 linked; GJB2-Related Autosomal Recessive Nonsyndromic Hearing Loss; Nonsyndromic Hearing Loss and Deafness, DFNB1. Identifiers: Orphanet 90636, MedGen C2673759, MONDO:0009076, OMIM 220290.

Submissions (9):

PreventionGenetics, part of Exact Sciences
Classification: Pathogenic for GJB2-related condition. Last evaluated: 2025-09-29. Review status: criteria provided, single submitter. Criteria: ACMG Guidelines, 2015. Collection method: clinical testing. Allele origin: germline.
Comment: The GJB2 c.592_600delinsCAGTGTTCATGACATTC variant is predicted to result in a frameshift and premature protein termination (p.Val198Glnfs*4). This variant was reported in two individuals with hearing loss, although a second causative variant was only identified in one of these individuals (Tang et al. 2006. PubMed ID: 17041943; Chan et al. 2010. PubMed ID: 20154630). This variant has not been reported in a large population database (gnomAD), indicating this variant is rare. Frameshift variants in GJB2 are expected to be pathogenic. This variant is interpreted as pathogenic.

Natera, Inc.
Classification: Likely pathogenic for Autosomal recessive deafness type 1A. Last evaluated: 2025-08-11. Review status: criteria provided, single submitter. Criteria: Natera Variant Classification Schema (03/2026). Collection method: clinical testing. Allele origin: germline.
Comment: The c.592_600delGTGTCTGGAinsCAGTGTTCATGACATTC variant in GJB2 is a frameshift variant predicted to shift the reading frame beginning at codon 198 and leads to a stop codon 4 codons downstream. This variant is expected to result in nonsense mediated decay, truncation, or a dysfunctional protein product. This variant is rare in the general population with a frequency below the threshold expected for the associated phenotype(s). This variant has been observed in one or more individuals affected with the associated recessive disease, as either homozygous or compound heterozygous with a second variant (PMID: 20154630). Given the available evidence, this variant is classified as Likely Pathogenic.

GeneDx
Classification: Pathogenic. Last evaluated: 2024-11-18. Review status: criteria provided, single submitter. Criteria: GeneDx Variant Classification Process June 2021. Collection method: clinical testing. Allele origin: germline. Affected: yes.
Comment: Identified in an additional patient with hearing loss in published literature, however, it was unclear if a second variant was identified (PMID: 17041943); Frameshift variant predicted to result in abnormal protein length as the last 29 amino acid(s) are replaced with 3 different amino acid(s), and other similar variants have been reported in HGMD; Not observed at significant frequency in large population cohorts (gnomAD); This variant is associated with the following publications: (PMID: 20154630, 17041943)

Women's Health and Genetics/Laboratory Corporation of America, LabCorp
Classification: Likely pathogenic for Autosomal recessive nonsyndromic hearing loss 1A. Last evaluated: 2022-06-16. Review status: criteria provided, single submitter. Criteria: LabCorp Variant Classification Summary - May 2015. Collection method: clinical testing. Allele origin: germline.
Comment: Variant summary: GJB2 c.592_600delins17 (p.Val198GlnfsX4) results in a premature termination codon, predicted to cause a truncation of the encoded protein or absence of the protein due to nonsense mediated decay, which are commonly known mechanisms for disease. Truncations downstream of this position have been classified as pathogenic by our laboratory. The variant was absent in 246636 control chromosomes (gnomAD and publication data). c.592_600delins17 has been reported in the literature in multiple individuals affected with Non-Syndromic Hearing Loss (example: Tang _2006, and Chan_2010). These data indicate that the variant may be associated with disease. To our knowledge, no experimental evidence demonstrating an impact on protein function has been reported. Four clinical diagnostic laboratories have submitted clinical-significance assessments for this variant to ClinVar after 2014 and all laboratories classified the variant as pathogenic. Based on the evidence outlined above, the variant was classified as likely pathogenic.

Revvity Omics, Revvity
Classification: Pathogenic. Last evaluated: 2019-05-17. Review status: criteria provided, single submitter. Criteria: ACMG Guidelines, 2015. Collection method: clinical testing. Allele origin: germline.

Eurofins Ntd Llc (ga)
Classification: Pathogenic. Last evaluated: 2017-06-29. Review status: criteria provided, single submitter. Criteria: EGL Classification Definitions 2015. Collection method: clinical testing. Allele origin: germline. Observed: 1 variant allele, 1 heterozygote.

Laboratory for Molecular Medicine, Mass General Brigham Personalized Medicine
Classification: Pathogenic for Rare genetic deafness. Last evaluated: 2015-04-27. Review status: criteria provided, single submitter. Criteria: LMM Criteria. Collection method: clinical testing. Allele origin: germline. Inheritance: Autosomal recessive inheritance. Observed: 3 variant alleles.
Comment: The p.Val198fs variant in GJB2 has been reported in 3 individuals with hearing l oss (Tang 2006, Chan 2010, LMM unpublished data), 2 of whom were compound hetero zygous with a second pathogenic or likely pathogenic GJB2 variant. This variant is predicted to cause a frameshift, which alters the protein?s amino acid sequen ce beginning at position 198 and leads to a premature termination codon 4 amino acids downstream. This alteration is then predicted to lead to a truncated or ab sent protein. In summary, this variant meets our criteria to be classified as pa thogenic for hearing loss in an autosomal recessive manner (. org/personalizedmedicine/LMM) based on the predicted impact of the variant and m ultiple occurrences with pathogenic GJB2 variants in individuals with hearing lo ss.

Genetic Services Laboratory, University of Chicago
Classification: Pathogenic for Deafness, autosomal recessive 1A. Last evaluated: 2013-02-08. Review status: criteria provided, single submitter. Criteria: ACMG Guidelines, 2007. Collection method: clinical testing. Allele origin: germline. Affected: yes.

Clinical Molecular Genetics Laboratory, Johns Hopkins All Children's Hospital
Classification: Pathogenic for Hearing loss. Last evaluated: 2010-03-31. Review status: no assertion criteria provided. Collection method: clinical testing. Allele origin: germline. Affected: yes. Not counted in ClinVar's aggregate classification.

Literature cited by the submitters: PubMed 20154630 (cited by 3 submitters); PubMed 17041943 (cited by Women's Health and Genetics/Laboratory Corporation of America, LabCorp and Laboratory for Molecular Medicine, Mass General Brigham Personalized Medicine).